The following is an entry in ClinVar:

ClinVar aggregate classification (germline): Pathogenic (1 of 4 stars; one submission).

Conditions:
Osteogenesis imperfecta type I (OI1). Also called: OI, TYPE I; OSTEOGENESIS IMPERFECTA TARDA; OSTEOGENESIS IMPERFECTA WITH BLUE SCLERAE; Osteogenesis imperfecta type 1; Lobstein disease; Lobstein's Disease. Identifiers: Orphanet 216796, Orphanet 666, MedGen C0023931, MONDO:0008146, OMIM 166200. Disease mechanism: loss of function.

Submission:

Labcorp Genetics (formerly Invitae), Labcorp
Classification: Pathogenic for Osteogenesis imperfecta type I. Last evaluated: 2022-01-17. Review status: criteria provided, single submitter. Criteria: Invitae Variant Classification Sherloc (09022015). Collection method: clinical testing. Allele origin: germline.
Comment: For these reasons, this variant has been classified as Pathogenic. This premature translational stop signal has been observed in individual(s) with osteogenesis imperfecta (PMID: 27748872). This variant is not present in population databases (gnomAD no frequency). This sequence change creates a premature translational stop signal (p.Pro190Leufs*75) in the COL1A1 gene. It is expected to result in an absent or disrupted protein product. Loss-of-function variants in COL1A1 are known to be pathogenic (PMID: 7942841, 9295084, 9443882).

Literature cited by the submitters: PubMed 27748872; PubMed 7942841; PubMed 9295084; PubMed 9443882.

NM_000088.4(COL1A1):c.569del (p.Pro190fs)

Gene: COL1A1 (collagen type I alpha 1 chain; minus strand). Cytogenetic location: 17q21.33.
Variant type: Deletion.
Coding change: c.569del on transcript NM_000088.4 (MANE Select); coding-DNA position 569, one base deleted (C; older notation c.569delC).
Protein change: p.Pro190fs; shifts the reading frame from proline 190.
Molecular consequence: frameshift variant.
Genome position (GRCh38, 1-based): chr17:50,198,180, G deleted on the plus strand (C on the coding strand, the reverse complement: COL1A1 is on the minus strand); the first of 3 consecutive G bases (chr17:50,198,180-50,198,182); deleting any one gives the same sequence. VCF-style (leftmost placement, unchanged base first): chr17-50198179-AG-A. GRCh37 (hg19) VCF-style: chr17-48275540-AG-A.
Other names: short protein forms P190fs.
Identifiers: ClinVar variation 2138085 (VCV002138085.4), dbSNP rs2509248128, ClinGen allele CA2580094370.